The following is an entry in ClinVar:

NC_000004.11:g.(?_187186995)_(187209969_?)del

Gene: F11 (coagulation factor XI; plus strand). Cytogenetic location: 4q35.2.
Variant type: Deletion.
Identifiers: ClinVar variation 3246699 (VCV003246699.1).

ClinVar aggregate classification (germline): Pathogenic (1 of 4 stars; one submission).

Submission:

Labcorp Genetics (formerly Invitae), Labcorp
Classification: Pathogenic. Last evaluated: 2023-10-06. Review status: criteria provided, single submitter. Criteria: Invitae Variant Classification Sherloc (09022015). Collection method: clinical testing. Allele origin: unknown.
Comment: A gross deletion of the genomic region encompassing the full coding sequence of the F11 gene has been identified. Loss-of-function variants in F11 are known to be pathogenic (PMID: 23929304). The boundaries of this event are unknown as they extend beyond the assayed region for this gene and therefore may encompass additional genes. This variant has not been reported in the literature in individuals affected with F11-related conditions. For these reasons, this variant has been classified as Pathogenic.

Literature cited by the submitters: PubMed 23929304.